The following is an entry in ClinVar:

ClinVar aggregate classification (germline): Uncertain significance (1 of 4 stars; one submission).

Conditions:
Autosomal recessive limb-girdle muscular dystrophy type 2J (LGMDR10). Also called: Limb-girdle muscular dystrophy, type 2J; MUSCULAR DYSTROPHY, LIMB-GIRDLE, AUTOSOMAL RECESSIVE 10. Identifiers: Orphanet 140922, MedGen C1837342, MONDO:0012127, OMIM 608807.
Dilated cardiomyopathy 1G (CMD1G). Identifiers: Orphanet 154, MedGen C1858763, MONDO:0011400, OMIM 604145.

gnomAD v4.1: 1 of 1,613,884 alleles (0.000062%); highest among the groups gnomAD compares: Non-Finnish European, 0.000085%; no homozygotes.

Submission:

Labcorp Genetics (formerly Invitae), Labcorp
Classification: Uncertain significance for Dilated cardiomyopathy 1G; Autosomal recessive limb-girdle muscular dystrophy type 2J. Last evaluated: 2025-09-19. Review status: criteria provided, single submitter. Criteria: Invitae Variant Classification Sherloc (09022015). Collection method: clinical testing. Allele origin: germline.
Comment: This sequence change replaces threonine, which is neutral and polar, with asparagine, which is neutral and polar, at codon 35400 of the TTN protein (p.Thr35400Asn). This variant is not present in population databases (gnomAD no frequency). This variant has not been reported in the literature in individuals affected with TTN-related conditions. Experimental studies and prediction algorithms are not available or were not evaluated, and the functional significance of this variant is currently unknown. This variant is located in the M band of TTN (PMID: 25589632). Non-truncating variants in this region may be relevant for neuromuscular disorders, but have not been definitively shown to cause cardiomyopathy (PMID: 23975875). In summary, the available evidence is currently insufficient to determine the role of this variant in disease. Therefore, it has been classified as a Variant of Uncertain Significance.

Literature cited by the submitters: PubMed 25589632; PubMed 23975875.

NM_001267550.2(TTN):c.106199C>A (p.Thr35400Asn)

Genes: TTN-AS1 (TTN antisense RNA 1; plus strand), TTN (titin; minus strand). Cytogenetic location: 2q31.2.
Variant type: single nucleotide variant.
Coding change: c.106199C>A on transcript NM_001267550.2 (MANE Select); coding-DNA position 106199, C replaced by A.
Protein change: p.Thr35400Asn; replaces threonine 35400 with asparagine.
Molecular consequence: missense variant.
Genome position (GRCh38, 1-based): chr2:178,530,416, G>T on the plus strand (C>A on the coding strand, the complement: TTN is on the minus strand). VCF-style: chr2-178530416-G-T. GRCh37 (hg19) VCF-style: chr2-179395143-G-T.
Other names: c.101276C>A, p.Thr33759Asn (NM_001256850.1); c.79004C>A, p.Thr26335Asn (NM_003319.4); c.98495C>A, p.Thr32832Asn (NM_133378.4); c.79379C>A, p.Thr26460Asn (NM_133432.3); c.79580C>A, p.Thr26527Asn (NM_133437.4); short protein forms T26460N, T33759N, T26335N, T26527N, T32832N, T35400N.
Identifiers: ClinVar variation 4790564 (VCV004790564.1).